The following is an entry in ClinVar:

ClinVar aggregate classification (germline): Uncertain significance (1 of 4 stars; one submission).

Submission:

Labcorp Genetics (formerly Invitae), Labcorp
Classification: Uncertain significance. Last evaluated: 2022-06-07. Review status: criteria provided, single submitter. Criteria: Invitae Variant Classification Sherloc (09022015). Collection method: clinical testing. Allele origin: germline.
Comment: Algorithms developed to predict the effect of missense changes on protein structure and function are either unavailable or do not agree on the potential impact of this missense change (SIFT: "Deleterious"; PolyPhen-2: "Possibly Damaging"; Align-GVGD: "Class C0"). In summary, the available evidence is currently insufficient to determine the role of this variant in disease. Therefore, it has been classified as a Variant of Uncertain Significance. This variant has not been reported in the literature in individuals affected with SLIT2-related conditions. This sequence change replaces arginine, which is basic and polar, with proline, which is neutral and non-polar, at codon 388 of the SLIT2 protein (p.Arg388Pro). This variant is not present in population databases (gnomAD no frequency).

NM_004787.4(SLIT2):c.1163G>C (p.Arg388Pro)

Gene: SLIT2 (slit guidance ligand 2; plus strand). Cytogenetic location: 4p15.31.
Variant type: single nucleotide variant.
Coding change: c.1163G>C on transcript NM_004787.4 (MANE Select); coding-DNA position 1163, G replaced by C.
Protein change: p.Arg388Pro; replaces arginine 388 with proline.
Molecular consequence: missense variant.
Genome position (GRCh38, 1-based): chr4:20,523,792, G>C. VCF-style: chr4-20523792-G-C. GRCh37 (hg19) VCF-style: chr4-20525415-G-C.
Other names: c.1175G>C, p.Arg392Pro (NM_001289135.3); c.1163G>C, p.Arg388Pro (NM_001289136.3); short protein forms R388P, R392P.
Identifiers: ClinVar variation 2002924 (VCV002002924.4), dbSNP rs145517585, ClinGen allele CA356462863.